The following is an entry in ClinVar:

NM_001127464.1:c.3728G>A

Gene: ZNF469 (zinc finger protein 469; plus strand).
Variant type: single nucleotide variant.
Identifiers: ClinVar variation 4842249 (VCV004842249.1).

ClinVar aggregate classification (germline): Uncertain significance (1 of 4 stars; one submission).

Conditions:
Cardiovascular phenotype. Identifiers: MedGen CN230736.

Submission:

Ambry Genetics
Classification: Uncertain significance for Cardiovascular phenotype. Last evaluated: 2026-01-10. Review status: criteria provided, single submitter. Criteria: Ambry Variant Classification Scheme 2023. Collection method: clinical testing. Allele origin: germline.
Comment: The p.S1243N variant (also known as c.3728G>A), located in coding exon 2 of the ZNF469 gene, results from a G to A substitution at nucleotide position 3728. The serine at codon 1243 is replaced by asparagine, an amino acid with highly similar properties. This amino acid position is conserved. In addition, this alteration is predicted to be tolerated by in silico analysis. Based on the available evidence, the clinical significance of this variant remains unclear.